The following is an entry in ClinVar:

NM_003924.4(PHOX2B):c.121G>T (p.Gly41Cys)

Genes: PHOX2B (paired like homeobox 2B; minus strand), PHOX2B-AS1 (PHOX2B antisense RNA 1; plus strand). Cytogenetic location: 4p13.
Variant type: single nucleotide variant.
Coding change: c.121G>T on transcript NM_003924.4 (MANE Select); coding-DNA position 121, G replaced by T.
Protein change: p.Gly41Cys; replaces glycine 41 with cysteine.
Molecular consequence: missense variant. On other transcripts: non-coding transcript variant (1).
Genome position (GRCh38, 1-based): chr4:41,748,490, C>A on the plus strand (G>T on the coding strand, the complement: PHOX2B is on the minus strand). VCF-style: chr4-41748490-C-A. GRCh37 (hg19) VCF-style: chr4-41750507-C-A.
Other names: short protein forms G41C.
Identifiers: ClinVar variation 3223579 (VCV003223579.1), dbSNP rs2552097183, ClinGen allele CA356741038.

ClinVar aggregate classification (germline): Uncertain significance (1 of 4 stars; one submission).

Conditions:
Hereditary cancer-predisposing syndrome. Also called: Tumor predisposition; Hereditary neoplastic syndrome; Hereditary Cancer Syndrome; Neoplastic Syndromes, Hereditary. Identifiers: Orphanet 140162, MedGen C0027672, MeSH D009386, MONDO:0015356.

Submission:

Ambry Genetics
Classification: Uncertain significance for Hereditary cancer-predisposing syndrome. Last evaluated: 2024-01-19. Review status: criteria provided, single submitter. Criteria: Ambry Variant Classification Scheme 2023. Collection method: clinical testing. Allele origin: germline.
Comment: The p.G41C variant (also known as c.121G>T), located in coding exon 1 of the PHOX2B gene, results from a G to T substitution at nucleotide position 121. The glycine at codon 41 is replaced by cysteine, an amino acid with highly dissimilar properties. This amino acid position is conserved. In addition, this alteration is predicted to be deleterious by in silico analysis. Based on the available evidence, the clinical significance of this alteration remains unclear.